The following is an entry in ClinVar:

NM_000531.6(OTC):c.1052del (p.Lys351fs)

Gene: OTC (ornithine transcarbamylase; plus strand). Cytogenetic location: Xp11.4.
Variant type: Deletion.
Coding change: c.1052del on transcript NM_000531.6 (MANE Select); coding-DNA position 1052, one base deleted (A; older notation c.1052delA).
Protein change: p.Lys351fs; shifts the reading frame from lysine 351.
Molecular consequence: frameshift variant.
Genome position (GRCh38, 1-based): chrX:38,421,069, A deleted; the last of 2 consecutive A bases (chrX:38,421,068-38,421,069); deleting either gives the same sequence. VCF-style (leftmost placement, unchanged base first): chrX-38421067-GA-G. GRCh37 (hg19) VCF-style: chrX-38280320-GA-G.
Other names: NM_000531.6(OTC):c.1052del; p.Lys351fs; short protein forms K351fs.
Identifiers: ClinVar variation 915468 (VCV000915468.3), dbSNP rs2068592875, ClinGen allele CA1139667400.

ClinVar aggregate classification (germline): Likely pathogenic. Review status: reviewed by expert panel (3 of 4 stars). 2 submissions from 2 submitters: Likely pathogenic (1). 1 of the submissions does not count toward it. Last evaluated 2026-06-11.

Conditions:
Ornithine carbamoyltransferase deficiency (OTCD). Also called: OTC DEFICIENCY; Ornithine Carbamoyltransferase Deficiency Disease; ORNITHINE TRANSCARBAMYLASE DEFICIENCY; ORNITHINE TRANSCARBAMYLASE DEFICIENCY, HYPERAMMONEMIA DUE TO. Identifiers: Orphanet 664, MedGen C0268542, MONDO:0010703, OMIM 311250.

Submissions (2):

Clingen Urea Cycle Disorders Variant Curation Expert Panel, ClinGen
Classification: Likely pathogenic for Ornithine carbamoyltransferase deficiency. Last evaluated: 2026-06-11. Review status: reviewed by expert panel. Criteria: ClinGen UreaCycles ACMG Specifications OTC V1.0. Collection method: curation. Allele origin: germline. Inheritance: X-linked inheritance.
Comment: The NM_000531.6:c.1052del (p.K351Sfs*44) variant in OTC is a frameshift variant predicted to cause a shift of the reading frame of the protein and extension beyond the Ter354 and a novel Ter395 within the last exon of the gene. While this variant is expected to escape nonsense mediated decay it is predicted to alter a region that is critical to protein function (amino acids 345-354) and per ClinGen UCD VCEP specifications, alteration including these regions is applicable at a weight of Strong (PVS1_Strong). This variant has been detected in at least 1 individual with OTC deficiency (PMID: 34014569, PMID: 34014557, ClinVar SCV001281637.1) (PS4_Supporting). This variant has been identified as a de novo occurrence with unconfirmed parental relationships in one individual with OTC deficiency (ClinVar SCV001281637.1) (PM6_Supporting). This variant is absent in gnomAD v4.1.0 (PM2_Supporting). In summary, this variant meets the criteria to be classified as likely pathogenic for OTC deficiency based on the ACMG/AMP criteria applied, as specified by the ClinGen Urea Cycle Disorders Variant Curation Expert Panel (OTC specifications version 1.0.0): PVS1_Strong, PS4_Supporting, PM2_Supporting, PM6_Supporting.

Molecular Genetics laboratory, Necker Hospital
Classification: Pathogenic for Ornithine carbamoyltransferase deficiency. Review status: no assertion criteria provided. Collection method: clinical testing. Allele origin: de novo. Inheritance: X-linked inheritance. Affected: yes. Not counted in ClinVar's aggregate classification.